The following is an entry in ClinVar:

NM_206937.2(LIG4):c.2444G>A (p.Arg815His)

Gene: LIG4 (DNA ligase 4; minus strand). Cytogenetic location: 13q33.3.
Variant type: single nucleotide variant.
Coding change: c.2444G>A on transcript NM_206937.2 (MANE Select); coding-DNA position 2444, G replaced by A.
Protein change: p.Arg815His; replaces arginine 815 with histidine.
Molecular consequence: missense variant.
Genome position (GRCh38, 1-based): chr13:108,208,825, C>T on the plus strand (G>A on the coding strand, the complement: LIG4 is on the minus strand). VCF-style: chr13-108208825-C-T. GRCh37 (hg19) VCF-style: chr13-108861173-C-T.
Other names: c.2444G>A, p.Arg815His (NM_001098268.2, NM_001352598.2, NM_001352599.2 and 6 more transcripts); c.2243G>A, p.Arg748His (NM_001330595.2); c.2480G>A, p.Arg827His (NM_001352604.2); short protein forms R748H, R815H, R827H.
Identifiers: ClinVar variation 3715369 (VCV003715369.2).

ClinVar aggregate classification (germline): Uncertain significance (1 of 4 stars; one submission).

Conditions:
DNA ligase IV deficiency. Identifiers: Orphanet 99812, MedGen C1847827, MONDO:0011686, OMIM 606593.

gnomAD v4.1: 33 of 1,614,032 alleles (0.002%); highest among the groups gnomAD compares: African/African-American, 0.004%; no homozygotes.

Submission:

Labcorp Genetics (formerly Invitae), Labcorp
Classification: Uncertain significance for DNA ligase IV deficiency. Last evaluated: 2024-11-10. Review status: criteria provided, single submitter. Criteria: Invitae Variant Classification Sherloc (09022015). Collection method: clinical testing. Allele origin: germline.
Comment: This sequence change replaces arginine, which is basic and polar, with histidine, which is basic and polar, at codon 815 of the LIG4 protein (p.Arg815His). This variant is present in population databases (rs574090677, gnomAD 0.008%). This variant has not been reported in the literature in individuals affected with LIG4-related conditions. An algorithm developed to predict the effect of missense changes on protein structure and function outputs the following: PolyPhen-2: "Benign". The histidine amino acid residue is found in multiple mammalian species, which suggests that this missense change does not adversely affect protein function. In summary, the available evidence is currently insufficient to determine the role of this variant in disease. Therefore, it has been classified as a Variant of Uncertain Significance.